The following is an entry in ClinVar:

NM_182961.4(SYNE1):c.24977-1796T>C

Gene: SYNE1 (spectrin repeat containing nuclear envelope protein 1; minus strand). Cytogenetic location: 6q25.2.
Variant type: single nucleotide variant.
Coding change: c.24977-1796T>C on transcript NM_182961.4 (MANE Select); 1796 bases into the intron before coding-DNA position 24977, T replaced by C.
Molecular consequence: intron variant.
Genome position (GRCh38, 1-based): chr6:152,145,561, A>G on the plus strand (T>C on the coding strand, the complement: SYNE1 is on the minus strand). VCF-style: chr6-152145561-A-G. GRCh37 (hg19) VCF-style: chr6-152466696-A-G.
Other names: c.24764-6T>C (NM_033071.5); c.1583-1796T>C (NM_001347701.2); c.1442-6T>C (NM_001347702.2).
Identifiers: ClinVar variation 2684052 (VCV002684052.1), dbSNP rs1466598429, ClinGen allele CA820869699.

ClinVar aggregate classification (germline): Uncertain significance (1 of 4 stars; one submission).

Allele frequency attached by ClinVar (database versions not stated): gnomAD 0.00001; TOPMed 0.00001.

Submission:

Athena Diagnostics
Classification: Uncertain significance. Last evaluated: 2023-06-26. Review status: criteria provided, single submitter. Criteria: Athena Diagnostics Criteria. Collection method: clinical testing. Allele origin: unknown.
Comment: Available data are insufficient to determine the clinical significance of the variant at this time. The frequency of this variant in the general population is uninformative in assessment of its pathogenicity. Computational tools yielded predictions that this variant is unlikely to have an effect on normal RNA splicing.